The following is an entry in ClinVar:

ClinVar aggregate classification (germline): Uncertain significance (1 of 4 stars; one submission).

Conditions:
RAI1-related disorder. Also called: RAI1-related condition.

gnomAD v4.1: 1 of 1,612,856 alleles (0.000062%); highest among the groups gnomAD compares: Admixed American, 0.0017%; no homozygotes.

Submission:

PreventionGenetics, part of Exact Sciences
Classification: Uncertain significance for RAI1-related condition. Last evaluated: 2026-05-22. Review status: criteria provided, single submitter. Criteria: ACMG Guidelines, 2015. Collection method: clinical testing. Allele origin: germline.
Comment: The RAI1 c.4454A>C variant is predicted to result in the amino acid substitution p.Gln1485Pro. To our knowledge, this variant has not been reported in the literature. This variant is reported in 0.0029% of alleles in individuals of Latino descent in gnomAD. At this time, the clinical significance of this variant is uncertain due to the absence of conclusive functional and genetic evidence.

NM_030665.4(RAI1):c.4454A>C (p.Gln1485Pro)

Gene: RAI1 (retinoic acid induced 1; plus strand). Cytogenetic location: 17p11.2.
Variant type: single nucleotide variant.
Coding change: c.4454A>C on transcript NM_030665.4 (MANE Select); coding-DNA position 4454, A replaced by C.
Protein change: p.Gln1485Pro; replaces glutamine 1485 with proline.
Molecular consequence: missense variant.
Genome position (GRCh38, 1-based): chr17:17,797,402, A>C. VCF-style: chr17-17797402-A-C. GRCh37 (hg19) VCF-style: chr17-17700716-A-C.
Other names: short protein forms Q1485P.
Identifiers: ClinVar variation 4997423 (VCV004997423.1).